The following is an entry in ClinVar:

NM_000535.7(PMS2):c.474C>G (p.Ser158Arg)

Gene: PMS2 (PMS1 homolog 2, mismatch repair system component; minus strand). Cytogenetic location: 7p22.1.
Variant type: single nucleotide variant.
Coding change: c.474C>G on transcript NM_000535.7 (MANE Select); coding-DNA position 474, C replaced by G.
Protein change: p.Ser158Arg; replaces serine 158 with arginine.
Molecular consequence: missense variant. On other transcripts: 5 prime UTR variant (2), non-coding transcript variant (1).
Genome position (GRCh38, 1-based): chr7:6,002,516, G>C on the plus strand (C>G on the coding strand, the complement: PMS2 is on the minus strand). VCF-style: chr7-6002516-G-C. GRCh37 (hg19) VCF-style: chr7-6042147-G-C.
Other names: c.69C>G, p.Ser23Arg (NM_001322003.2, NM_001322004.2, NM_001322005.2 and 3 more transcripts); c.474C>G, p.Ser158Arg (NM_001322006.2, NM_001322014.2); c.156C>G, p.Ser52Arg (NM_001322007.2, NM_001322008.2); c.-411C>G (NM_001322011.2, NM_001322012.2); c.165C>G, p.Ser55Arg (NM_001322015.2); short protein forms S158R, S23R, S52R, S55R.
Identifiers: ClinVar variation 1000309 (VCV001000309.8), dbSNP rs767414243, ClinGen allele CA366744281.

ClinVar aggregate classification (germline): Uncertain significance (1 of 4 stars; one submission).

Conditions:
Hereditary nonpolyposis colorectal neoplasms. Identifiers: MedGen C0009405, MeSH D003123.

Submission:

Labcorp Genetics (formerly Invitae), Labcorp
Classification: Uncertain significance for Hereditary nonpolyposis colorectal neoplasms. Last evaluated: 2020-03-24. Review status: criteria provided, single submitter. Criteria: Invitae Variant Classification Sherloc (09022015). Collection method: clinical testing. Allele origin: germline.
Comment: In summary, the available evidence is currently insufficient to determine the role of this variant in disease. Therefore, it has been classified as a Variant of Uncertain Significance. Algorithms developed to predict the effect of missense changes on protein structure and function are either unavailable or do not agree on the potential impact of this missense change (SIFT: "Deleterious"; PolyPhen-2: "Probably Damaging"; Align-GVGD: "Class C0"). This variant has not been reported in the literature in individuals with PMS2-related conditions. This variant is not present in population databases (ExAC no frequency). This sequence change replaces serine with arginine at codon 158 of the PMS2 protein (p.Ser158Arg). The serine residue is weakly conserved and there is a moderate physicochemical difference between serine and arginine.